The following is an entry in ClinVar:

ClinVar aggregate classification (germline): Uncertain significance (1 of 4 stars; one submission).

Conditions:
Nemaline myopathy 8 (NEM8). Also called: Nemaline myopathy 8, autosomal recessive. Identifiers: Orphanet 171430, MedGen C3809209, MONDO:0014138, OMIM 615348.

Allele frequency attached by ClinVar (database versions not stated): gnomAD 0.00001 and 0.00002; TOPMed 0.00001.
gnomAD v4.1: 7 of 1,613,426 alleles (0.00043%); highest among the groups gnomAD compares: Admixed American, 0.005%; no homozygotes.

Submission:

Labcorp Genetics (formerly Invitae), Labcorp
Classification: Uncertain significance for Nemaline myopathy 8. Last evaluated: 2020-01-24. Review status: criteria provided, single submitter. Criteria: Invitae Variant Classification Sherloc (09022015). Collection method: clinical testing. Allele origin: germline.
Comment: Algorithms developed to predict the effect of missense changes on protein structure and function (SIFT, PolyPhen-2, Align-GVGD) all suggest that this variant is likely to be tolerated, but these predictions have not been confirmed by published functional studies and their clinical significance is uncertain. In summary, the available evidence is currently insufficient to determine the role of this variant in disease. Therefore, it has been classified as a Variant of Uncertain Significance. This variant has not been reported in the literature in individuals with KLHL40-related conditions. This variant is present in population databases (rs769290437, ExAC 0.002%). This sequence change replaces histidine with glutamine at codon 261 of the KLHL40 protein (p.His261Gln). The histidine residue is highly conserved and there is a small physicochemical difference between histidine and glutamine.

NM_152393.4(KLHL40):c.783C>A (p.His261Gln)

Gene: KLHL40 (kelch like family member 40; plus strand). Cytogenetic location: 3p22.1.
Variant type: single nucleotide variant.
Coding change: c.783C>A on transcript NM_152393.4 (MANE Select); coding-DNA position 783, C replaced by A.
Protein change: p.His261Gln; replaces histidine 261 with glutamine.
Molecular consequence: missense variant.
Genome position (GRCh38, 1-based): chr3:42,686,401, C>A. VCF-style: chr3-42686401-C-A. GRCh37 (hg19) VCF-style: chr3-42727893-C-A.
Other names: short protein forms H261Q.
Identifiers: ClinVar variation 1006291 (VCV001006291.3), dbSNP rs769290437, ClinGen allele CA2336731.
Genomic context (GRCh38, chr3:42,686,401, plus strand): 5'-CCCTCTCGTGCGTGCCCAGCCCGAGTTGCTGCGCAAGGTGCAGATGGTGAAGGATGCACA[C>A]GAGGGCCGCATCACCACGCTGCGGAAGAAAAAGAAGGGGAAGGATGGAGCCGGGGCCAAG-3'
Protein context (NP_689606.2, residues 251-271): LRKVQMVKDA[His261Gln]EGRITTLRKK